The following is an entry in ClinVar:

NM_153460.4(IL17RC):c.1445T>C (p.Leu482Pro)

Gene: IL17RC (interleukin 17 receptor C; plus strand). Cytogenetic location: 3p25.3.
Variant type: single nucleotide variant.
Coding change: c.1445T>C on transcript NM_153460.4 (MANE Select); coding-DNA position 1445, T replaced by C.
Protein change: p.Leu482Pro; replaces leucine 482 with proline.
Molecular consequence: missense variant. On other transcripts: non-coding transcript variant (1).
Genome position (GRCh38, 1-based): chr3:9,932,665, T>C. VCF-style: chr3-9932665-T-C. GRCh37 (hg19) VCF-style: chr3-9974349-T-C.
Other names: c.1325T>C, p.Leu442Pro (NM_001367279.1); c.1400T>C, p.Leu467Pro (NM_001367280.1, NM_032732.6); c.1445T>C, p.Leu482Pro (NM_001203263.2); c.1394T>C, p.Leu465Pro (NM_001203264.2); c.1349T>C, p.Leu450Pro (NM_001203265.2); c.1406T>C, p.Leu469Pro (NM_001367278.1); c.1658T>C, p.Leu553Pro (NM_153461.4); short protein forms L442P, L450P, L482P, L553P, L467P, L469P, L465P.
Identifiers: ClinVar variation 854838 (VCV000854838.1), dbSNP rs2084857345, ClinGen allele CA351702929.

ClinVar aggregate classification (germline): Uncertain significance (1 of 4 stars; one submission).

Conditions:
Candidiasis, familial, 9 (CANDF9). Identifiers: Orphanet 1334, MedGen C4225324, MONDO:0014642, OMIM 616445.

Submission:

Labcorp Genetics (formerly Invitae), Labcorp
Classification: Uncertain significance for Candidiasis, familial, 9. Last evaluated: 2019-05-15. Review status: criteria provided, single submitter. Criteria: Invitae Variant Classification Sherloc (09022015). Collection method: clinical testing. Allele origin: germline.
Comment: This sequence change replaces leucine with proline at codon 553 of the IL17RC protein (p.Leu553Pro). The leucine residue is moderately conserved and there is a moderate physicochemical difference between leucine and proline. This variant is not present in population databases (ExAC no frequency). This variant has not been reported in the literature in individuals with IL17RC-related conditions. Algorithms developed to predict the effect of missense changes on protein structure and function are either unavailable or do not agree on the potential impact of this missense change (SIFT: "Deleterious"; PolyPhen-2: "Probably Damaging"; Align-GVGD: "Class C0"). In summary, the available evidence is currently insufficient to determine the role of this variant in disease. Therefore, it has been classified as a Variant of Uncertain Significance.